The following is an entry in ClinVar:

ClinVar aggregate classification (germline): Uncertain significance (1 of 4 stars; one submission).

Submission:

Dasa
Classification: Uncertain significance. Last evaluated: 2026-02-27. Review status: criteria provided, single submitter. Criteria: DASA Assertion Criteria. Collection method: clinical testing. Allele origin: germline.
Comment: NM_003660.4(PPFIA3):c.508-12C>A is an intronic variant. This variant is rare in population databases. Computational prediction algorithms are consistent with a deleterious effect. The currently available literature and clinical evidence are not sufficient to establish a definitive association between this variant and the reported condition. Therefore, this variant is classified as a variant of uncertain significance.

NM_003660.4(PPFIA3):c.508-12C>A

Gene: PPFIA3 (PPFI scaffold protein A3; plus strand). Cytogenetic location: 19q13.33.
Variant type: single nucleotide variant.
Coding change: c.508-12C>A on transcript NM_003660.4 (MANE Select); 12 bases into the intron before coding-DNA position 508, C replaced by A.
Molecular consequence: intron variant.
Genome position (GRCh38, 1-based): chr19:49,129,368, C>A. VCF-style: chr19-49129368-C-A. GRCh37 (hg19) VCF-style: chr19-49632625-C-A.
Identifiers: ClinVar variation 4886106 (VCV004886106.2).